The following is an entry in ClinVar:

ClinVar aggregate classification (germline): Uncertain significance (1 of 4 stars; one submission).

Conditions:
Tatton-Brown-Rahman overgrowth syndrome. Also called: Tall stature-intellectual disability-facial dysmorphism syndrome; Tatton-Brown-Rahman syndrome. Identifiers: Orphanet 404443, MedGen C4014545, MONDO:0014382, OMIM 615879.

Submission:

Labcorp Genetics (formerly Invitae), Labcorp
Classification: Uncertain significance for Tatton-Brown-Rahman overgrowth syndrome. Last evaluated: 2024-08-14. Review status: criteria provided, single submitter. Criteria: Invitae Variant Classification Sherloc (09022015). Collection method: clinical testing. Allele origin: germline.
Comment: This sequence change replaces proline, which is neutral and non-polar, with leucine, which is neutral and non-polar, at codon 99 of the DNMT3A protein (p.Pro99Leu). This variant is not present in population databases (gnomAD no frequency). This variant has not been reported in the literature in individuals affected with DNMT3A-related conditions. An algorithm developed to predict the effect of missense changes on protein structure and function (PolyPhen-2) suggests that this variant is likely to be tolerated. In summary, the available evidence is currently insufficient to determine the role of this variant in disease. Therefore, it has been classified as a Variant of Uncertain Significance.

NM_022552.5(DNMT3A):c.296C>T (p.Pro99Leu)

Gene: DNMT3A (DNA methyltransferase 3 alpha; minus strand). Cytogenetic location: 2p23.3.
Variant type: single nucleotide variant.
Coding change: c.296C>T on transcript NM_022552.5 (MANE Select); coding-DNA position 296, C replaced by T.
Protein change: p.Pro99Leu; replaces proline 99 with leucine.
Molecular consequence: missense variant. On other transcripts: non-coding transcript variant (1).
Genome position (GRCh38, 1-based): chr2:25,282,593, G>A on the plus strand (C>T on the coding strand, the complement: DNMT3A is on the minus strand). VCF-style: chr2-25282593-G-A. GRCh37 (hg19) VCF-style: chr2-25505462-G-A.
Other names: c.296C>T, p.Pro99Leu (NM_001320892.2, NM_175629.2, NM_175630.1); short protein forms P99L.
Identifiers: ClinVar variation 2805743 (VCV002805743.3), dbSNP rs2465822094, ClinGen allele CA346083954.